The following is an entry in ClinVar:

ClinVar aggregate classification (germline): Pathogenic/Likely pathogenic. Review status: criteria provided, multiple submitters, no conflicts (2 of 4 stars). 2 submissions from 2 submitters: Pathogenic (1); Likely pathogenic (1). Last evaluated 2023-04-26.

Conditions:
Lysinuric protein intolerance (LPI). Identifiers: Orphanet 470, MedGen C0268647, MONDO:0009109, OMIM 222700.

Submissions (2):

GeneDx
Classification: Likely pathogenic. Last evaluated: 2023-04-26. Review status: criteria provided, single submitter. Criteria: GeneDx Variant Classification Process June 2021. Collection method: clinical testing. Allele origin: germline. Affected: yes.
Comment: Frameshift variant predicted to result in protein truncation or nonsense mediated decay in a gene for which loss of function is a known mechanism of disease; Not observed at significant frequency in large population cohorts (gnomAD); Has not been previously published as pathogenic or benign to our knowledge

Labcorp Genetics (formerly Invitae), Labcorp
Classification: Pathogenic for Lysinuric protein intolerance. Last evaluated: 2022-07-11. Review status: criteria provided, single submitter. Criteria: Invitae Variant Classification Sherloc (09022015). Collection method: clinical testing. Allele origin: germline.
Comment: This variant is not present in population databases (gnomAD no frequency). For these reasons, this variant has been classified as Pathogenic. Algorithms developed to predict the effect of sequence changes on RNA splicing suggest that this variant may create or strengthen a splice site. This variant has not been reported in the literature in individuals affected with SLC7A7-related conditions. This sequence change creates a premature translational stop signal (p.Ala153Argfs*21) in the SLC7A7 gene. It is expected to result in an absent or disrupted protein product. Loss-of-function variants in SLC7A7 are known to be pathogenic (PMID: 10631139, 17764084).

Literature cited by the submitters: PubMed 10631139 (cited by Labcorp Genetics (formerly Invitae), Labcorp); PubMed 17764084 (cited by Labcorp Genetics (formerly Invitae), Labcorp).

NM_003982.4(SLC7A7):c.455dup (p.Ala153fs)

Gene: SLC7A7 (solute carrier family 7 member 7; minus strand). Cytogenetic location: 14q11.2.
Variant type: Duplication.
Coding change: c.455dup on transcript NM_003982.4 (MANE Select); coding-DNA position 455, one base duplicated (T; older notation c.455dupT).
Protein change: p.Ala153fs; shifts the reading frame from alanine 153.
Molecular consequence: frameshift variant.
Genome position (GRCh38, 1-based): chr14:22,812,944, A duplicated on the plus strand (T on the coding strand, the reverse complement: SLC7A7 is on the minus strand); the first of 2 consecutive A bases (chr14:22,812,944-22,812,945); duplicating either gives the same sequence. VCF-style (leftmost placement, unchanged base first): chr14-22812943-G-GA. GRCh37 (hg19) VCF-style: chr14-23282152-G-GA.
Other names: c.455dup (NM_001126106.2); c.455dup, p.Ala153fs (NM_001126105.3, NM_001126106.4); short protein forms A153fs.
Identifiers: ClinVar variation 2122676 (VCV002122676.5), dbSNP rs2501974171, ClinGen allele CA2575479631.
Genomic context (GRCh38, chr14:22,812,943, plus strand): 5'-ACCCCAGCCCCACTTACAAATGCAGGCAGCAGCCAGCAGGCGGCTGGCAGCATAAGGGGC[G>GA]AAGCAGCTCGGGAAGAGAGGCTGTACCATGTAGTTGGCAAAGGTGATGGCAATGATGGCC-3'